The following is an entry in ClinVar:

ClinVar aggregate classification (germline): Conflicting classifications of pathogenicity. Review status: criteria provided, conflicting classifications (1 of 4 stars). 3 submissions from 3 submitters: Uncertain significance (1); Likely benign (2). Last evaluated 2025-01-06.

Conditions:
Inborn genetic diseases. Identifiers: MedGen C0950123, MeSH D030342.
Fanconi anemia (FA). Also called: Fanconi's anemia. Identifiers: Orphanet 84, MedGen C0015625, MeSH D005199, MONDO:0019391.

Allele frequency attached by ClinVar (database versions not stated): gnomAD exomes below 0.00001; TOPMed 0.00001.
gnomAD v4.1: 1 of 1,614,166 alleles (0.000062%); highest among the groups gnomAD compares: Non-Finnish European, 0.000085%; no homozygotes.

Submissions (3):

Ambry Genetics
Classification: Likely benign for Inborn genetic diseases. Last evaluated: 2025-01-06. Review status: criteria provided, single submitter. Criteria: Ambry Variant Classification Scheme 2023. Collection method: clinical testing. Allele origin: germline.

Quest Diagnostics Nichols Institute San Juan Capistrano
Classification: Uncertain significance. Last evaluated: 2024-05-14. Review status: criteria provided, single submitter. Criteria: Quest Diagnostics criteria. Collection method: clinical testing. Allele origin: unknown.
Comment: The FANCA c.4137A>G (p.Pro1379=) synonymous variant has not been reported in individuals with FANCA-related conditions in the published literature. It also has not been reported in large, multi-ethnic general populations (Genome Aggregation Database). Analysis of this variant using software algorithms for the prediction of the effect of nucleotide changes on FANCA mRNA splicing yielded inconclusive findings. Based on the available information, we are unable to determine the clinical significance of this variant.

Labcorp Genetics (formerly Invitae), Labcorp
Classification: Likely benign for Fanconi anemia. Last evaluated: 2021-04-29. Review status: criteria provided, single submitter. Criteria: Invitae Variant Classification Sherloc (09022015). Collection method: clinical testing. Allele origin: germline.

NM_000135.4(FANCA):c.4137A>G (p.Pro1379=)

Genes: FANCA (FA complementation group A; minus strand), ZNF276 (zinc finger protein 276; plus strand). Cytogenetic location: 16q24.3.
Variant type: single nucleotide variant.
Coding change: c.4137A>G on transcript NM_000135.4 (MANE Select); coding-DNA position 4137, A replaced by G.
Protein change: p.Pro1379=; no amino-acid change (proline 1379 retained).
Molecular consequence: synonymous variant. On other transcripts: 3 prime UTR variant (2), non-coding transcript variant (4).
Genome position (GRCh38, 1-based): chr16:89,739,163, T>C on the plus strand (A>G on the coding strand, the complement: FANCA is on the minus strand). VCF-style: chr16-89739163-T-C. GRCh37 (hg19) VCF-style: chr16-89805571-T-C.
Other names: c.4137A>G, p.Pro1379= (NM_001286167.3); c.*917T>C (NM_001113525.2, NM_152287.4); c.4137A>G (NM_000135.3).
Identifiers: ClinVar variation 1579490 (VCV001579490.10), dbSNP rs1172262659, ClinGen allele CA497379269.
Genomic context (GRCh38, chr16:89,739,163, plus strand): 5'-CCTGGAGGTGGGACTGGCCCTTGCACCTGCCTGACCCTTGAGCTCCAGGCTCCTGCCAGC[T>C]GGAGGTGAAACTGTGCTTGTATCCCCAGCCACGAAGAGCTGGACCAGCTTCAAGTACATG-3'
Protein context (NP_000126.2, residues 1369-1389): VAGDTSTVSP[Pro1379=]AGRSLELKGQ